The following is an entry in ClinVar:

NM_213599.3(ANO5):c.1981C>T (p.Leu661Phe)

Gene: ANO5 (anoctamin 5; plus strand). Cytogenetic location: 11p14.3.
Variant type: single nucleotide variant.
Coding change: c.1981C>T on transcript NM_213599.3 (MANE Select); coding-DNA position 1981, C replaced by T.
Protein change: p.Leu661Phe; replaces leucine 661 with phenylalanine.
Molecular consequence: missense variant.
Genome position (GRCh38, 1-based): chr11:22,270,394, C>T. VCF-style: chr11-22270394-C-T. GRCh37 (hg19) VCF-style: chr11-22291940-C-T.
Other names: c.1978C>T, p.Leu660Phe (NM_001142649.2); short protein forms L661F, L660F.
Identifiers: ClinVar variation 546523 (VCV000546523.2), dbSNP rs944857212, ClinGen allele CA218774194.

ClinVar aggregate classification (germline): Uncertain significance (1 of 4 stars; one submission).

Allele frequency attached by ClinVar (database versions not stated): gnomAD exomes below 0.00001.
gnomAD v4.1: 1 of 1,614,132 alleles (0.000062%); highest among the groups gnomAD compares: African/African-American, 0.0013%; no homozygotes.

Submission:

GeneDx
Classification: Uncertain significance. Last evaluated: 2018-05-29. Review status: criteria provided, single submitter. Criteria: GeneDx Variant Classification (06012015). Collection method: clinical testing. Allele origin: germline. Affected: yes.
Comment: The L661F variant has not been published as a pathogenic variant, nor has it been reported as a benign variant to our knowledge. The L661F variant is not observed in large population cohorts (Lek et al., 2016). This variant is a conservative amino acid substitution, which is not likely to impact secondary protein structure as these residues share similar properties. However, in-silico analyses, including protein predictors and evolutionary conservation, support a deleterious effect.